The following is an entry in ClinVar:

NM_004656.4(BAP1):c.1160C>A (p.Pro387Gln)

Gene: BAP1 (BRCA1 associated deubiquitinase 1; minus strand). Cytogenetic location: 3p21.1.
Variant type: single nucleotide variant.
Coding change: c.1160C>A on transcript NM_004656.4 (MANE Select); coding-DNA position 1160, C replaced by A.
Protein change: p.Pro387Gln; replaces proline 387 with glutamine.
Molecular consequence: missense variant.
Genome position (GRCh38, 1-based): chr3:52,404,543, G>T on the plus strand (C>A on the coding strand, the complement: BAP1 is on the minus strand). VCF-style: chr3-52404543-G-T. GRCh37 (hg19) VCF-style: chr3-52438559-G-T.
Other names: short protein forms P387Q.
Identifiers: ClinVar variation 490774 (VCV000490774.16), dbSNP rs1404481415, ClinGen allele CA353103284.

ClinVar aggregate classification (germline): Uncertain significance. Review status: criteria provided, multiple submitters, no conflicts (2 of 4 stars). 5 submissions from 5 submitters: Uncertain significance (5). Last evaluated 2025-12-31.

Conditions:
Hereditary cancer-predisposing syndrome. Also called: Hereditary Cancer Syndrome; Neoplastic Syndromes, Hereditary; Tumor predisposition; Hereditary neoplastic syndrome. Identifiers: Orphanet 140162, MedGen C0027672, MeSH D009386, MONDO:0015356.
BAP1-related tumor predisposition syndrome (TPDS1). Also called: Tumor susceptibility linked to germline BAP1 mutations; BAP1 tumor predisposition syndrome; COMMON Syndrome; TUMOR PREDISPOSITION SYNDROME 1. Identifiers: Orphanet 289539, MedGen C3280492, MONDO:0013692, OMIM 614327.

Allele frequency attached by ClinVar (database versions not stated): gnomAD exomes below 0.00001; TOPMed below 0.00001; gnomAD 0.00001.
gnomAD v4.1: 10 of 1,613,944 alleles (0.00062%); highest among the groups gnomAD compares: Non-Finnish European, 0.00068%; no homozygotes.

Submissions (5):

Labcorp Genetics (formerly Invitae), Labcorp
Classification: Uncertain significance for BAP1-related tumor predisposition syndrome. Last evaluated: 2025-12-31. Review status: criteria provided, single submitter. Criteria: Invitae Variant Classification Sherloc (09022015). Collection method: clinical testing. Allele origin: germline.
Comment: This sequence change replaces proline, which is neutral and non-polar, with glutamine, which is neutral and polar, at codon 387 of the BAP1 protein (p.Pro387Gln). The frequency data for this variant in the population databases is considered unreliable, as metrics indicate poor data quality at this position in the gnomAD database. This variant has not been reported in the literature in individuals affected with BAP1-related conditions. ClinVar contains an entry for this variant (Variation ID: 490774). Invitae Evidence Modeling of protein sequence and biophysical properties (such as structural, functional, and spatial information, amino acid conservation, physicochemical variation, residue mobility, and thermodynamic stability) indicates that this missense variant is not expected to disrupt BAP1 protein function with a negative predictive value of 80%. In summary, the available evidence is currently insufficient to determine the role of this variant in disease. Therefore, it has been classified as a Variant of Uncertain Significance.

Quest Diagnostics Nichols Institute San Juan Capistrano
Classification: Uncertain significance. Last evaluated: 2024-09-05. Review status: criteria provided, single submitter. Criteria: Quest Diagnostics criteria. Collection method: clinical testing. Allele origin: unknown.
Comment: The BAP1 c.1160C>A (p.Pro387Gln) variant has not been reported in individuals with BAP1-related conditions in the published literature. The frequency of this variant in the general population, 0.000004 (1/247714 chromosomes (Genome Aggregation Database)), is uninformative in the assessment of its pathogenicity. Analysis of this variant using bioinformatics tools for the prediction of the effect of amino acid changes on protein structure and function yielded predictions that this variant is benign. Based on the available information, we are unable to determine the clinical significance of this variant.

Color Diagnostics, LLC DBA Color Health
Classification: Uncertain significance for Hereditary cancer-predisposing syndrome. Last evaluated: 2024-03-07. Review status: criteria provided, single submitter. Criteria: ACMG Guidelines, 2015. Collection method: clinical testing. Allele origin: germline.
Comment: This missense variant replaces proline with glutamine at codon 387 of the BAP1 protein. Computational prediction is inconclusive regarding the impact of this variant on protein structure and function (internally defined REVEL score threshold 0.5 < inconclusive < 0.7, PMID: 27666373). To our knowledge, functional studies have not been reported for this variant. This variant has not been reported in individuals affected with hereditary cancer in the literature. This variant has been identified in 1/247714 chromosomes in the general population by the Genome Aggregation Database (gnomAD). The available evidence is insufficient to determine the role of this variant in disease conclusively. Therefore, this variant is classified as a Variant of Uncertain Significance.

Ambry Genetics
Classification: Uncertain significance for Hereditary cancer-predisposing syndrome. Last evaluated: 2023-02-24. Review status: criteria provided, single submitter. Criteria: Ambry Variant Classification Scheme 2023. Collection method: clinical testing. Allele origin: germline.
Comment: The p.P387Q variant (also known as c.1160C>A), located in coding exon 12 of the BAP1 gene, results from a C to A substitution at nucleotide position 1160. The proline at codon 387 is replaced by glutamine, an amino acid with similar properties. This amino acid position is well conserved in available vertebrate species. In addition, this alteration is predicted to be tolerated by in silico analysis. Since supporting evidence is limited at this time, the clinical significance of this alteration remains unclear.

GeneDx
Classification: Uncertain significance. Last evaluated: 2020-09-17. Review status: criteria provided, single submitter. Criteria: GeneDx Variant Classification Process June 2021. Collection method: clinical testing. Allele origin: germline. Affected: yes.
Comment: Not observed in large population cohorts (Lek 2016); In silico analysis supports that this missense variant does not alter protein structure/function; Has not been previously published as pathogenic or benign to our knowledge